The following is an entry in ClinVar:

NM_017617.5(NOTCH1):c.2908A>G (p.Thr970Ala)

Gene: NOTCH1 (notch receptor 1; minus strand). Cytogenetic location: 9q34.3.
Variant type: single nucleotide variant.
Coding change: c.2908A>G on transcript NM_017617.5 (MANE Select); coding-DNA position 2908, A replaced by G.
Protein change: p.Thr970Ala; replaces threonine 970 with alanine.
Molecular consequence: missense variant.
Genome position (GRCh38, 1-based): chr9:136,509,794, T>C on the plus strand (A>G on the coding strand, the complement: NOTCH1 is on the minus strand). VCF-style: chr9-136509794-T-C. GRCh37 (hg19) VCF-style: chr9-139404246-T-C.
Other names: c.2908A>G, p.Thr970Ala (LRG_1122t1); short protein forms T970A.
Identifiers: ClinVar variation 583007 (VCV000583007.22), dbSNP rs201053795, ClinGen allele CA5341115.

ClinVar aggregate classification (germline): Conflicting classifications of pathogenicity. Review status: criteria provided, conflicting classifications (1 of 4 stars). 8 submissions from 7 submitters: Uncertain significance (4); Benign (1). 3 of the submissions do not count toward it. Last evaluated 2026-01-30.

Conditions:
Familial thoracic aortic aneurysm and aortic dissection (TAAD). Also called: Thoracic aortic aneurysms and dissections. Identifiers: Orphanet 91387, MedGen C4707243, MONDO:0019625.
Adams-Oliver syndrome 5 (AOS5). Identifiers: Orphanet 974, MedGen C4014970, MONDO:0014459, OMIM 616028.
Aortic valve disease 1 (AOVD1). Identifiers: MedGen C3887892, MONDO:0024523, OMIM 109730.

Allele frequency attached by ClinVar (database versions not stated): ExAC 0.00004; TOPMed 0.00004; gnomAD 0.00005; gnomAD exomes 0.00005; ESP Exome Variant Server 0.00024.
gnomAD v4.1: 93 of 1,612,970 alleles (0.0058%); highest among the groups gnomAD compares: Non-Finnish European, 0.0078%; no homozygotes.

Submissions (8):

Labcorp Genetics (formerly Invitae), Labcorp
Classification: Benign for Adams-Oliver syndrome 5. Last evaluated: 2026-01-30. Review status: criteria provided, single submitter. Criteria: Invitae Variant Classification Sherloc (09022015). Collection method: clinical testing. Allele origin: germline.

Ambry Genetics
Classification: Uncertain significance for Familial thoracic aortic aneurysm and aortic dissection. Last evaluated: 2025-06-28. Review status: criteria provided, single submitter. Criteria: Ambry Variant Classification Scheme 2023. Collection method: clinical testing. Allele origin: germline.
Comment: The p.T970A variant (also known as c.2908A>G), located in coding exon 18 of the NOTCH1 gene, results from an A to G substitution at nucleotide position 2908. The threonine at codon 970 is replaced by alanine, an amino acid with similar properties. This amino acid position is well conserved in available vertebrate species. In addition, this alteration is predicted to be tolerated by in silico analysis. Since supporting evidence is limited at this time, the clinical significance of this alteration remains unclear.

GeneDx
Classification: Uncertain significance. Last evaluated: 2025-03-10. Review status: criteria provided, single submitter. Criteria: GeneDx Variant Classification Process June 2021. Collection method: clinical testing. Allele origin: germline. Affected: yes.
Comment: Has not been previously reported in association with connective tissue disorders or cardiovascular disorders to our knowledge; In silico analysis supports that this missense variant has a deleterious effect on protein structure/function; This variant is associated with the following publications: (PMID: 29113320)

Genome-Nilou Lab
Classification: Uncertain significance for Adams-Oliver syndrome 5. Last evaluated: 2022-03-15. Review status: criteria provided, single submitter. Criteria: ACMG Guidelines, 2015. Collection method: clinical testing. Allele origin: germline. Affected: no.

Genome-Nilou Lab
Classification: Uncertain significance for Aortic valve disease 1. Last evaluated: 2022-03-15. Review status: criteria provided, single submitter. Criteria: ACMG Guidelines, 2015. Collection method: clinical testing. Allele origin: germline. Affected: no.

Clinical Genetics DNA and cytogenetics Diagnostics Lab, Erasmus MC, Erasmus Medical Center
Classification: Uncertain significance. Review status: no assertion criteria provided. Collection method: clinical testing. Allele origin: germline. Affected: yes. Study: VKGL Data-share Consensus. Not counted in ClinVar's aggregate classification.

Genome Diagnostics Laboratory, University Medical Center Utrecht
Classification: Uncertain significance. Review status: no assertion criteria provided. Collection method: clinical testing. Allele origin: germline. Affected: yes. Study: VKGL Data-share Consensus. Not counted in ClinVar's aggregate classification.

Laboratory of Diagnostic Genome Analysis, Leiden University Medical Center (LUMC)
Classification: Uncertain significance. Review status: no assertion criteria provided. Collection method: clinical testing. Allele origin: germline. Affected: yes. Study: VKGL Data-share Consensus. Not counted in ClinVar's aggregate classification.